The following is an entry in ClinVar:

ClinVar aggregate classification (germline): Uncertain significance. Review status: criteria provided, multiple submitters, no conflicts (2 of 4 stars). 3 submissions from 3 submitters: Uncertain significance (3). Last evaluated 2026-01-14.

Conditions:
Inborn genetic diseases. Identifiers: MedGen C0950123, MeSH D030342.

Allele frequency attached by ClinVar (database versions not stated): TOPMed below 0.00001; gnomAD 0.00003.
gnomAD v4.1: 11 of 1,208,976 alleles (0.00091%); highest among the groups gnomAD compares: South Asian, 0.0018%; no homozygotes.

Submissions (3):

Women's Health and Genetics/Laboratory Corporation of America, LabCorp
Classification: Uncertain significance. Last evaluated: 2026-01-14. Review status: criteria provided, single submitter. Criteria: LabCorp Variant Classification Summary - May 2015. Collection method: clinical testing. Allele origin: germline.
Comment: Variant summary: SSR4 c.289G>A (p.Ala97Thr) results in a non-conservative amino acid change in the encoded protein sequence. Algorithms developed to predict the effect of missense changes on protein structure and function are either unavailable or do not agree on the potential impact of this missense change. The variant was absent in 180992 control chromosomes. The available data on variant occurrences in the general population are insufficient to allow any conclusion about variant significance. To our knowledge, no occurrence of c.289G>A in individuals affected with SSR4-related conditions and no experimental evidence demonstrating its impact on protein function have been reported. ClinVar contains an entry for this variant (Variation ID: 1991997). Based on the evidence outlined above, the variant was classified as uncertain significance.

Labcorp Genetics (formerly Invitae), Labcorp
Classification: Uncertain significance. Last evaluated: 2025-08-11. Review status: criteria provided, single submitter. Criteria: Invitae Variant Classification Sherloc (09022015). Collection method: clinical testing. Allele origin: germline.
Comment: This sequence change replaces alanine, which is neutral and non-polar, with threonine, which is neutral and polar, at codon 108 of the SSR4 protein (p.Ala108Thr). This variant is not present in population databases (gnomAD no frequency). This variant has not been reported in the literature in individuals affected with SSR4-related conditions. ClinVar contains an entry for this variant (Variation ID: 1991997). Experimental studies and prediction algorithms are not available or were not evaluated, and the functional significance of this variant is currently unknown. In summary, the available evidence is currently insufficient to determine the role of this variant in disease. Therefore, it has been classified as a Variant of Uncertain Significance.

Ambry Genetics
Classification: Uncertain significance for Inborn genetic diseases. Last evaluated: 2024-01-03. Review status: criteria provided, single submitter. Criteria: Ambry Variant Classification Scheme 2023. Collection method: clinical testing. Allele origin: germline.

NM_006280.3(SSR4):c.289G>A (p.Ala97Thr)

Gene: SSR4 (signal sequence receptor subunit 4; plus strand). Cytogenetic location: Xq28.
Variant type: single nucleotide variant.
Coding change: c.289G>A on transcript NM_006280.3 (MANE Select); coding-DNA position 289, G replaced by A.
Protein change: p.Ala97Thr; replaces alanine 97 with threonine.
Molecular consequence: missense variant.
Genome position (GRCh38, 1-based): chrX:153,797,752, G>A. VCF-style: chrX-153797752-G-A. GRCh37 (hg19) VCF-style: chrX-153063207-G-A.
Other names: c.322G>A, p.Ala108Thr (NM_001204526.2); c.313G>A, p.Ala105Thr (NM_001204527.2); short protein forms A105T, A97T, A108T.
Identifiers: ClinVar variation 1991997 (VCV001991997.6), dbSNP rs1156431337, ClinGen allele CA415186785.